The following is an entry in ClinVar:

NM_001875.5(CPS1):c.3682C>T (p.Arg1228Trp)

Gene: CPS1 (carbamoyl-phosphate synthase 1; plus strand). Cytogenetic location: 2q34.
Variant type: single nucleotide variant.
Coding change: c.3682C>T on transcript NM_001875.5 (MANE Select); coding-DNA position 3682, C replaced by T.
Protein change: p.Arg1228Trp; replaces arginine 1228 with tryptophan.
Molecular consequence: missense variant. On other transcripts: non-coding transcript variant (2).
Genome position (GRCh38, 1-based): chr2:210,658,614, C>T. VCF-style: chr2-210658614-C-T. GRCh37 (hg19) VCF-style: chr2-211523338-C-T.
Other names: c.3682C>T, p.Arg1228Trp (NM_001122633.3, NM_001369257.1); c.3715C>T, p.Arg1239Trp (NM_001369256.1); short protein forms R1239W, R1228W.
Identifiers: ClinVar variation 895907 (VCV000895907.17), dbSNP rs367595060, ClinGen allele CA2087047.

ClinVar aggregate classification (germline): Uncertain significance. Review status: criteria provided, multiple submitters, no conflicts (2 of 4 stars). 7 submissions from 7 submitters: Uncertain significance (6). 1 of the submissions does not count toward it. Last evaluated 2024-11-05.

Conditions:
Congenital hyperammonemia, type I. Also called: Carbamoyl phosphate synthetase 1 deficiency; Hyperammonemia due to carbamoyl phosphate synthetase 1 deficiency; CPS 1 deficiency; Carbamyl phosphate synthetase (CPS) deficiency; Carbamoyl-phosphate synthase I deficiency; CPS I DEFICIENCY. Identifiers: Orphanet 147, MedGen C4082171, MONDO:0009376, OMIM 237300.
Pulmonary hypertension, neonatal, susceptibility to (PHN). Identifiers: MedGen C3714958, MONDO:0014151, OMIM 615371.

Allele frequency attached by ClinVar (database versions not stated): gnomAD exomes 0.00006 and 0.00023; ESP Exome Variant Server 0.00008; TOPMed 0.00012.
gnomAD v4.1: 353 of 1,613,862 alleles (0.022%); highest among the groups gnomAD compares: Non-Finnish European, 0.028%; no homozygotes.

Submissions (7):

Labcorp Genetics (formerly Invitae), Labcorp
Classification: Uncertain significance for Congenital hyperammonemia, type I. Last evaluated: 2024-11-05. Review status: criteria provided, single submitter. Criteria: Invitae Variant Classification Sherloc (09022015). Collection method: clinical testing. Allele origin: germline.
Comment: This sequence change replaces arginine, which is basic and polar, with tryptophan, which is neutral and slightly polar, at codon 1228 of the CPS1 protein (p.Arg1228Trp). This variant is present in population databases (rs367595060, gnomAD 0.009%). This variant has not been reported in the literature in individuals affected with CPS1-related conditions. ClinVar contains an entry for this variant (Variation ID: 895907). Invitae Evidence Modeling of protein sequence and biophysical properties (such as structural, functional, and spatial information, amino acid conservation, physicochemical variation, residue mobility, and thermodynamic stability) indicates that this missense variant is not expected to disrupt CPS1 protein function with a negative predictive value of 95%. In summary, the available evidence is currently insufficient to determine the role of this variant in disease. Therefore, it has been classified as a Variant of Uncertain Significance.

Women's Health and Genetics/Laboratory Corporation of America, LabCorp
Classification: Uncertain significance. Last evaluated: 2024-03-04. Review status: criteria provided, single submitter. Criteria: LabCorp Variant Classification Summary - May 2015. Collection method: clinical testing. Allele origin: germline.
Comment: Variant summary: CPS1 c.3682C>T (p.Arg1228Trp) results in a non-conservative amino acid change located in the Carbamoyl-phosphate synthetase large subunit-like, ATP-binding domain (IPR005479) of the encoded protein sequence. Five of five in-silico tools predict a damaging effect of the variant on protein function. The variant allele was found at a frequency of 5.6e-05 in 251470 control chromosomes. This frequency is not significantly higher than estimated for a pathogenic variant in CPS1 causing Carbamoylphosphate Synthetase I Deficiency (5.6e-05 vs 0.0016), allowing no conclusion about variant significance. To our knowledge, no occurrence of c.3682C>T in individuals affected with Carbamoylphosphate Synthetase I Deficiency and no experimental evidence demonstrating its impact on protein function have been reported. ClinVar contains an entry for this variant (Variation ID: 895907). Based on the evidence outlined above, the variant was classified as uncertain significance.

GeneDx
Classification: Uncertain significance. Last evaluated: 2023-12-09. Review status: criteria provided, single submitter. Criteria: GeneDx Variant Classification Process June 2021. Collection method: clinical testing. Allele origin: germline. Affected: yes.
Comment: Not observed at significant frequency in large population cohorts (gnomAD); In silico analysis supports that this missense variant has a deleterious effect on protein structure/function; Has not been previously published as pathogenic or benign to our knowledge

Baylor Genetics
Classification: Uncertain significance for Congenital hyperammonemia, type I. Last evaluated: 2023-07-14. Review status: criteria provided, single submitter. Criteria: ACMG Guidelines, 2015. Collection method: clinical testing. Allele origin: unknown.

Fulgent Genetics
Classification: Uncertain significance for Congenital hyperammonemia, type I; Pulmonary hypertension, neonatal, susceptibility to. Last evaluated: 2022-03-01. Review status: criteria provided, single submitter. Criteria: ACMG Guidelines, 2015. Collection method: clinical testing. Allele origin: unknown.

Illumina Laboratory Services, Illumina
Classification: Uncertain significance for Congenital hyperammonemia, type I. Last evaluated: 2018-01-13. Review status: criteria provided, single submitter. Criteria: ICSL Variant Classification Criteria 13 December 2019. Collection method: clinical testing. Allele origin: germline.

Natera, Inc.
Classification: Uncertain significance for Carbamoyl-phosphate synthase I deficiency. Last evaluated: 2020-02-21. Review status: no assertion criteria provided. Collection method: clinical testing. Allele origin: germline. Not counted in ClinVar's aggregate classification.